The following is an entry in ClinVar:

NM_001382430.1(AKT1):c.126G>A (p.Pro42=)

Gene: AKT1 (AKT serine/threonine kinase 1; minus strand). Cytogenetic location: 14q32.33.
Variant type: single nucleotide variant.
Coding change: c.126G>A on transcript NM_001382430.1 (MANE Select); coding-DNA position 126, G replaced by A.
Protein change: p.Pro42=; no amino-acid change (proline 42 retained).
Molecular consequence: synonymous variant.
Genome position (GRCh38, 1-based): chr14:104,780,137, C>T on the plus strand (G>A on the coding strand, the complement: AKT1 is on the minus strand). VCF-style: chr14-104780137-C-T. GRCh37 (hg19) VCF-style: chr14-105246474-C-T.
Other names: c.126G>A, p.Pro42= (NM_001014431.2, NM_001014432.2, NM_001382431.1 and 3 more transcripts); c.126G>A (NM_001014431.1).
Identifiers: ClinVar variation 416461 (VCV000416461.15), dbSNP rs375645311, ClinGen allele CA7374898.
Genomic context (GRCh38, chr14:104,780,137, plus strand): 5'-GGGATACTTACGCGCCACAGAGAAGTTGTTGAGGGGAGCCTCACGTTGGTCCACATCCTG[C>T]GGCCGCTCCTTGTAGCCAATGAAGGTGCCATCATTCTTGAGGAGGAAGTAGCGTGGCCGC-3'
Protein context (NP_001369359.1, residues 32-52): DGTFIGYKER[Pro42=]QDVDQREAPL

ClinVar aggregate classification (germline): Benign/Likely benign. Review status: criteria provided, multiple submitters, no conflicts (2 of 4 stars). 4 submissions from 4 submitters: Benign (1); Likely benign (3). Last evaluated 2026-09-01.

Conditions:
Cowden syndrome 6 (CWS6). Identifiers: Orphanet 201, MedGen C3554519, MONDO:0014048, OMIM 615109.
Inborn genetic diseases. Identifiers: MedGen C0950123, MeSH D030342.

Allele frequency attached by ClinVar (database versions not stated): ExAC 0.00007; gnomAD exomes 0.00008 and 0.00010; ESP Exome Variant Server 0.00015; TOPMed 0.00015; gnomAD 0.00021 and 0.00025.
gnomAD v4.1: 172 of 1,613,510 alleles (0.011%); highest among the groups gnomAD compares: African/African-American, 0.063%; no homozygotes.

Submissions (4):

CeGaT Center for Human Genetics Tuebingen
Classification: Likely benign. Last evaluated: 2026-09-01. Review status: criteria provided, single submitter. Criteria: CeGaT Center For Human Genetics Tuebingen Variant Classification Criteria Version 2. Collection method: clinical testing. Allele origin: germline. Affected: yes. Observed: 1 variant allele.
Comment: AKT1: BP4, BP7

Labcorp Genetics (formerly Invitae), Labcorp
Classification: Likely benign for Cowden syndrome 6. Last evaluated: 2025-08-07. Review status: criteria provided, single submitter. Criteria: Invitae Variant Classification Sherloc (09022015). Collection method: clinical testing. Allele origin: germline.

KCCC/NGS Laboratory, Kuwait Cancer Control Center
Classification: Benign for Cowden syndrome 6. Last evaluated: 2025-02-01. Review status: criteria provided, single submitter. Criteria: ACMG Guidelines, 2015. Collection method: clinical testing. Allele origin: germline. Affected: no.

Ambry Genetics
Classification: Likely benign for Inborn genetic diseases. Last evaluated: 2022-02-13. Review status: criteria provided, single submitter. Criteria: Ambry Variant Classification Scheme 2023. Collection method: clinical testing. Allele origin: germline.